The following is an entry in ClinVar:

ClinVar aggregate classification (germline): Uncertain significance (0 of 4 stars; one submission).

Conditions:
MAP3K3-related disorder. Also called: MAP3K3-related condition.

Submission:

PreventionGenetics, part of Exact Sciences
Classification: Uncertain significance for MAP3K3-related condition. Last evaluated: 2024-07-25. Review status: no assertion criteria provided. Collection method: clinical testing. Allele origin: germline.
Comment: The MAP3K3 c.910G>A variant is predicted to result in the amino acid substitution p.Gly304Arg. To our knowledge, this variant has not been reported in the literature or in a large population database, indicating this variant is rare. At this time, the clinical significance of this variant is uncertain due to the absence of conclusive functional and genetic evidence.

NM_002401.5(MAP3K3):c.817G>A (p.Gly273Arg)

Gene: MAP3K3 (mitogen-activated protein kinase kinase kinase 3; plus strand). Cytogenetic location: 17q23.3.
Variant type: single nucleotide variant.
Coding change: c.817G>A on transcript NM_002401.5 (MANE Select); coding-DNA position 817, G replaced by A.
Protein change: p.Gly273Arg; replaces glycine 273 with arginine.
Molecular consequence: missense variant.
Genome position (GRCh38, 1-based): chr17:63,688,827, G>A. VCF-style: chr17-63688827-G-A. GRCh37 (hg19) VCF-style: chr17-61766187-G-A.
Other names: c.805G>A, p.Gly269Arg (NM_001330431.2); c.898G>A, p.Gly300Arg (NM_001363768.2); c.910G>A, p.Gly304Arg (NM_203351.3); short protein forms G269R, G273R, G300R, G304R.
Identifiers: ClinVar variation 3347959 (VCV003347959.1).